The following is an entry in ClinVar:

ClinVar aggregate classification (germline): Uncertain significance. Review status: criteria provided, multiple submitters, no conflicts (2 of 4 stars). 3 submissions from 3 submitters: Uncertain significance (3). Last evaluated 2026-06-08.

Conditions:
Inborn genetic diseases. Identifiers: MedGen C0950123, MeSH D030342.
RDH12-related disorder. Also called: RDH12-related condition; RDH12-related disorders.
Leber congenital amaurosis 13 (LCA13). Identifiers: MedGen C2675186, MONDO:0012990, OMIM 612712.

Allele frequency attached by ClinVar (database versions not stated): gnomAD exomes below 0.00001; ExAC 0.00001; gnomAD 0.00001.
gnomAD v4.1: 7 of 1,613,284 alleles (0.00043%); highest among the groups gnomAD compares: East Asian, 0.0045%; no homozygotes.

Submissions (3):

PreventionGenetics, part of Exact Sciences
Classification: Uncertain significance for RDH12-related condition. Last evaluated: 2026-06-08. Review status: criteria provided, single submitter. Criteria: ACMG Guidelines, 2015. Collection method: clinical testing. Allele origin: germline.
Comment: The RDH12 c.904C>T variant is predicted to result in the amino acid substitution p.Arg302Cys. To our knowledge, this variant has not been reported in the literature. This variant is reported in 0.0065% of alleles in individuals of South Asian descent in gnomAD. At this time, the clinical significance of this variant is uncertain due to the absence of conclusive functional and genetic evidence.

Labcorp Genetics (formerly Invitae), Labcorp
Classification: Uncertain significance for Leber congenital amaurosis 13. Last evaluated: 2024-08-29. Review status: criteria provided, single submitter. Criteria: Invitae Variant Classification Sherloc (09022015). Collection method: clinical testing. Allele origin: germline.
Comment: This sequence change replaces arginine, which is basic and polar, with cysteine, which is neutral and slightly polar, at codon 302 of the RDH12 protein (p.Arg302Cys). This variant is present in population databases (rs747119209, gnomAD 0.006%). This variant has not been reported in the literature in individuals affected with RDH12-related conditions. ClinVar contains an entry for this variant (Variation ID: 2202670). Invitae Evidence Modeling of protein sequence and biophysical properties (such as structural, functional, and spatial information, amino acid conservation, physicochemical variation, residue mobility, and thermodynamic stability) indicates that this missense variant is not expected to disrupt RDH12 protein function with a negative predictive value of 80%. In summary, the available evidence is currently insufficient to determine the role of this variant in disease. Therefore, it has been classified as a Variant of Uncertain Significance.

Ambry Genetics
Classification: Uncertain significance for Inborn genetic diseases. Last evaluated: 2024-08-14. Review status: criteria provided, single submitter. Criteria: Ambry Variant Classification Scheme 2023. Collection method: clinical testing. Allele origin: germline.

NM_152443.3(RDH12):c.904C>T (p.Arg302Cys)

Genes: GPHN (gephyrin; plus strand), RDH12 (retinol dehydrogenase 12; plus strand), ZFYVE26 (zinc finger FYVE-type containing 26; minus strand). Cytogenetic location: 14q24.1.
Variant type: single nucleotide variant.
Coding change: c.904C>T on transcript NM_152443.3 (MANE Select); coding-DNA position 904, C replaced by T.
Protein change: p.Arg302Cys; replaces arginine 302 with cysteine.
Molecular consequence: missense variant.
Genome position (GRCh38, 1-based): chr14:67,733,801, C>T. VCF-style: chr14-67733801-C-T. GRCh37 (hg19) VCF-style: chr14-68200518-C-T.
Other names: c.904C>T (NM_152443.2); short protein forms R302C.
Identifiers: ClinVar variation 2202670 (VCV002202670.5), dbSNP rs747119209, ClinGen allele CA7238878.